The following is an entry in ClinVar:

NM_000064.4(C3):c.166A>G (p.Thr56Ala)

Gene: C3 (complement C3; minus strand). Cytogenetic location: 19p13.3.
Variant type: single nucleotide variant.
Coding change: c.166A>G on transcript NM_000064.4 (MANE Select); coding-DNA position 166, A replaced by G.
Protein change: p.Thr56Ala; replaces threonine 56 with alanine.
Molecular consequence: missense variant.
Genome position (GRCh38, 1-based): chr19:6,719,312, T>C on the plus strand (A>G on the coding strand, the complement: C3 is on the minus strand). VCF-style: chr19-6719312-T-C. GRCh37 (hg19) VCF-style: chr19-6719323-T-C.
Other names: short protein forms T56A.
Identifiers: ClinVar variation 1471548 (VCV001471548.8), dbSNP rs2145438127, ClinGen allele CA403646128.

ClinVar aggregate classification (germline): Uncertain significance (1 of 4 stars; one submission).

Submission:

Labcorp Genetics (formerly Invitae), Labcorp
Classification: Uncertain significance. Last evaluated: 2021-01-18. Review status: criteria provided, single submitter. Criteria: Invitae Variant Classification Sherloc (09022015). Collection method: clinical testing. Allele origin: germline.
Comment: In summary, the available evidence is currently insufficient to determine the role of this variant in disease. Therefore, it has been classified as a Variant of Uncertain Significance. Algorithms developed to predict the effect of missense changes on protein structure and function output the following: SIFT: "Tolerated"; PolyPhen-2: "Benign"; Align-GVGD: "Class C0". The alanine amino acid residue is found in multiple mammalian species, suggesting that this missense change does not adversely affect protein function. These predictions have not been confirmed by published functional studies and their clinical significance is uncertain. This variant has not been reported in the literature in individuals with C3-related conditions. This variant is not present in population databases (ExAC no frequency). This sequence change replaces threonine with alanine at codon 56 of the C3 protein (p.Thr56Ala). The threonine residue is moderately conserved and there is a small physicochemical difference between threonine and alanine.